The following is an entry in ClinVar:

ClinVar aggregate classification (germline): Uncertain significance (1 of 4 stars; one submission).

Conditions:
Pancreatic adenocarcinoma. Identifiers: MedGen C0281361, MONDO:0006047, HP:0006725.

Allele frequency attached by ClinVar (database versions not stated): TOPMed below 0.00001.

Submission:

Labcorp Genetics (formerly Invitae), Labcorp
Classification: Uncertain significance for Pancreatic adenocarcinoma. Last evaluated: 2022-06-28. Review status: criteria provided, single submitter. Criteria: Invitae Variant Classification Sherloc (09022015). Collection method: clinical testing. Allele origin: germline.
Comment: In summary, the available evidence is currently insufficient to determine the role of this variant in disease. Therefore, it has been classified as a Variant of Uncertain Significance. Algorithms developed to predict the effect of missense changes on protein structure and function are either unavailable or do not agree on the potential impact of this missense change (SIFT: "Deleterious"; PolyPhen-2: "Benign"; Align-GVGD: "Class C15"). This variant has not been reported in the literature in individuals affected with PALLD-related conditions. This variant is not present in population databases (gnomAD no frequency). This sequence change replaces glutamine, which is neutral and polar, with histidine, which is basic and polar, at codon 386 of the PALLD protein (p.Gln386His).

NM_001166108.2(PALLD):c.2670A>C (p.Gln890His)

Genes: CBR4 (carbonyl reductase 4; minus strand), PALLD (palladin, cytoskeletal associated protein; plus strand). Cytogenetic location: 4q32.3.
Variant type: single nucleotide variant.
Coding change: c.2670A>C on transcript NM_001166108.2 (MANE Select); coding-DNA position 2670, A replaced by C.
Protein change: p.Gln890His; replaces glutamine 890 with histidine.
Molecular consequence: missense variant.
Genome position (GRCh38, 1-based): chr4:168,913,974, A>C. VCF-style: chr4-168913974-A-C. GRCh37 (hg19) VCF-style: chr4-169835125-A-C.
Other names: c.1473A>C, p.Gln491His (NM_001166109.2); c.1158A>C, p.Gln386His (NM_001166110.2); c.498A>C, p.Gln166His (NM_001367567.1, NM_001367569.1); c.549A>C, p.Gln183His (NM_001367568.1, NM_001367570.1); c.2619A>C, p.Gln873His (NM_016081.4); short protein forms Q386H, Q890H, Q183H, Q873H, Q166H, Q491H.
Identifiers: ClinVar variation 2198271 (VCV002198271.4), dbSNP rs1759584470, ClinGen allele CA358705102.
Genomic context (GRCh38, chr4:168,913,974, plus strand): 5'-GATATTTCTACAGGGCCGCATCAGTTGTACTGGACGGCTAATGGTACAGGCTGTCAACCA[A>C]AGAGGTCGAAGTCCCCGGTCTCCCTCAGGCCATCCTCATGTCAGAAGGTATTTAACATGT-3'
Protein context (NP_001159580.1, residues 880-900): TGRLMVQAVN[Gln890His]RGRSPRSPSG